The following is an entry in ClinVar:

NM_000059.4(BRCA2):c.9076C>T (p.Gln3026Ter)

Gene: BRCA2 (BRCA2 DNA repair associated; plus strand). Cytogenetic location: 13q13.1.
Variant type: single nucleotide variant.
Coding change: c.9076C>T on transcript NM_000059.4 (MANE Select); coding-DNA position 9076, C replaced by T.
Protein change: p.Gln3026Ter; replaces glutamine 3026 with a stop codon.
Molecular consequence: nonsense.
Genome position (GRCh38, 1-based): chr13:32,379,872, C>T. VCF-style: chr13-32379872-C-T. GRCh37 (hg19) VCF-style: chr13-32954009-C-T.
Other names: 9304C>T; short protein forms Q3026*.
Identifiers: ClinVar variation 38207 (VCV000038207.60), dbSNP rs80359159, ClinGen allele CA025962.

ClinVar aggregate classification (germline): Pathogenic. Review status: reviewed by expert panel (3 of 4 stars). 22 submissions from 22 submitters: Pathogenic (1). 21 of the submissions do not count toward it. Last evaluated 2016-09-08.

Conditions:
BRCA2-related disorder. Also called: BRCA2-related condition; BRCA2-related disorders. Identifiers: MedGen CN239275.
Gastric cancer. Also called: Stomach cancer; Malignant tumor of stomach. Identifiers: MedGen C0024623, MeSH D013274, MONDO:0001056, OMIM 613659, HP:0012126.
Breast and/or ovarian cancer. Identifiers: MedGen CN221562.
Hereditary cancer-predisposing syndrome. Also called: Hereditary Cancer Syndrome; Tumor predisposition; Neoplastic Syndromes, Hereditary; Hereditary neoplastic syndrome. Identifiers: Orphanet 140162, MedGen C0027672, MeSH D009386, MONDO:0015356.
Hereditary breast ovarian cancer syndrome. Also called: BRCA1- and BRCA2-Associated Hereditary Breast and Ovarian Cancer; Hereditary breast and ovarian cancer syndrome; Hereditary breast and ovarian cancer syndrome (HBOC); Hereditary breast and ovarian cancer; Breast and ovarian cancer; Hereditary breast and/or ovarian cancer syndrome. Identifiers: Orphanet 145, MedGen C0677776, MeSH D061325, MONDO:0003582. Disease mechanism: loss of function.
Breast-ovarian cancer, familial, susceptibility to, 2 (BROVCA2). Also called: BRCA2 Hereditary Breast and Ovarian Cancer. Identifiers: Orphanet 145, MedGen C2675520, MONDO:0012933, OMIM 612555. Disease mechanism: loss of function.
Familial cancer of breast. Also called: BREAST CANCER, FAMILIAL; Hereditary breast cancer; hereditary breast carcinoma. Identifiers: Orphanet 227535, MedGen C0346153, MONDO:0016419, OMIM 114480. Disease mechanism: loss of function.
Malignant tumor of breast. Also called: Malignant breast neoplasm; Cancer breast. Identifiers: MedGen C0006142, MONDO:0007254. Disease mechanism: loss of function.

Allele frequency attached by ClinVar (database versions not stated): TOPMed 0.00001.
gnomAD v4.1: 3 of 1,613,492 alleles (0.00019%); highest among the groups gnomAD compares: East Asian, 0.0045%; no homozygotes.

Submissions 1 to 9 of 22:

Evidence-based Network for the Interpretation of Germline Mutant Alleles (ENIGMA)
Classification: Pathogenic for Breast-ovarian cancer, familial, susceptibility to, 2. Last evaluated: 2016-09-08. Review status: reviewed by expert panel. Criteria: ENIGMA BRCA1/2 Classification Criteria (2015). Collection method: curation. Allele origin: germline.
Comment: Variant allele predicted to encode a truncated non-functional protein.

Labcorp Genetics (formerly Invitae), Labcorp
Classification: Pathogenic for Hereditary breast ovarian cancer syndrome. Last evaluated: 2025-11-13. Review status: criteria provided, single submitter. Criteria: Invitae Variant Classification Sherloc (09022015). Collection method: clinical testing. Allele origin: germline. Not counted in ClinVar's aggregate classification.
Comment: This sequence change creates a premature translational stop signal (p.Gln3026*) in the BRCA2 gene. It is expected to result in an absent or disrupted protein product. Loss-of-function variants in BRCA2 are known to be pathogenic (PMID: 20104584). This variant is not present in population databases (gnomAD no frequency). This premature translational stop signal has been observed in individual(s) with breast and/or ovarian cancer (PMID: 11595708, 19016756, 22632462, 25863477, 26187060, 27732944, 28008555, 28205045). ClinVar contains an entry for this variant (Variation ID: 38207). RNA analysis performed to evaluate the impact of this premature translational stop signal on mRNA splicing indicates it does not significantly alter splicing (internal data). For these reasons, this variant has been classified as Pathogenic.

Ambry Genetics
Classification: Pathogenic for Hereditary cancer-predisposing syndrome. Last evaluated: 2025-09-09. Review status: criteria provided, single submitter. Criteria: Ambry Variant Classification Scheme 2023. Collection method: clinical testing. Allele origin: germline. Not counted in ClinVar's aggregate classification.
Comment: The p.Q3026* pathogenic mutation (also known as c.9076C>T), located in coding exon 22 of the BRCA2 gene, results from a C to T substitution at nucleotide position 9076. This changes the amino acid from a glutamine to a stop codon within coding exon 22. This mutation has been identified in multiple hereditary breast and/or ovarian cancer families (Sekine M et al. Clin Cancer Res. 2001 Oct;7(10):3144-50; Arai M et al. J. Hum. Genet. 2018 Apr;63(4):447-457; Momozowa Y et al. Nat Commun 2018 10;9(1):4083). Of note, this mutation is also designated as 9304C>T in published literature. This variant is considered to be rare based on population cohorts in the Genome Aggregation Database (gnomAD). This alteration is expected to result in loss of function by premature protein truncation or nonsense-mediated mRNA decay. Based on the supporting evidence, this variant is interpreted as a disease-causing mutation.

GeneDx
Classification: Pathogenic. Last evaluated: 2024-08-20. Review status: criteria provided, single submitter. Criteria: GeneDx Variant Classification Process June 2021. Collection method: clinical testing. Allele origin: germline. Affected: yes. Not counted in ClinVar's aggregate classification.
Comment: Nonsense variant predicted to result in protein truncation or nonsense mediated decay in a gene for which loss of function is a known mechanism of disease; Truncating variants in this gene are considered pathogenic by a well-established clinical consortium and/or database; Not observed at significant frequency in large population cohorts (gnomAD); Also known as 9304C>T; This variant is associated with the following publications: (PMID: 22798144, 11149425, 33309985, 33057194, 36243179, 35982159, 28440963, 32980694, 32826389, 19016756, 25863477, 23893897, 26187060, 11595708, 28008555, 28205045, 27732944, 29439820, 30287823, 28111427, 29446198, 25525159, 31447099, 32710294, 30787465, 35741847, 31723001, 34645131, 29176636, 30350268, 22632462)

Quest Diagnostics Nichols Institute San Juan Capistrano
Classification: Pathogenic. Last evaluated: 2024-04-15. Review status: criteria provided, single submitter. Criteria: Quest Diagnostics criteria. Collection method: clinical testing. Allele origin: unknown. Not counted in ClinVar's aggregate classification.
Comment: The BRCA2 c.9076C>T (p.Gln3026*) variant causes the premature termination of BRCA2 protein synthesis. This variant has been reported in the published literature in individuals with breast and/or ovarian cancer (PMIDs: 35741847 (2022), 34645131 (2022), 33471991 (2021), 32710294 (2021), 29907814 (2018), 29176636 (2018), 28205045 (2017), 25863477 (2015), 22798144 (2012), 19016756 (2008), 11595708 (2001)), including triple negative breast cancer (PMID: 30350268 (2018)) and male breast cancer (PMIDs: 30287823 (2018), 28008555 (2017)). Additionally, this variant has been reported in individuals with prostate cancer (PMID: 29439820 (2018)) and pancreatic cancer (PMID: 27732944 (2016)). Experimental studies show conflicting evidence of this variant's impact on splicing (PMIDs: 25525159 (2015), 22632462 (2012)). This variant has not been reported in large, multi-ethnic general populations (Genome Aggregation Database). Based on the available information, this variant is classified as pathogenic.

Baylor Genetics
Classification: Pathogenic for Familial cancer of breast. Last evaluated: 2024-02-14. Review status: criteria provided, single submitter. Criteria: ACMG Guidelines, 2015. Collection method: clinical testing. Allele origin: unknown. Not counted in ClinVar's aggregate classification.

Research Institute, Aichi Cancer Center
Classification: Pathogenic for Hereditary breast ovarian cancer syndrome. Last evaluated: 2022-02-01. Review status: criteria provided, single submitter. Criteria: ACMG Guidelines, 2015. Collection method: research. Allele origin: germline. Affected: yes. Observed: 1 variant allele. Not counted in ClinVar's aggregate classification.

Color Diagnostics, LLC DBA Color Health
Classification: Pathogenic for Hereditary cancer-predisposing syndrome. Last evaluated: 2022-01-04. Review status: criteria provided, single submitter. Criteria: ACMG Guidelines, 2015. Collection method: clinical testing. Allele origin: germline. Not counted in ClinVar's aggregate classification.
Comment: This variant changes 1 nucleotide in exon 23 of the BRCA2 gene, creating a premature translation stop signal. This variant is expected to result in an absent or non-functional protein product. A minigene splicing assay has shown partial splicing defect (PMID: 22632462). This variant has been reported in at least a dozen individuals affected with breast or ovarian cancer (PMID: 11149425, 19016756, 22798144, 28008555, 30287823, 33471991; Leiden Open Variation Database DB-ID BRCA2_001520), in families suspected of being affected with hereditary breast and ovarian cancer (PMID: 11595708, 25863477) and in individuals affected with pancreatic or prostate cancer (PMID: 27732944, 31214711, 32980694). This variant has not been identified in the general population by the Genome Aggregation Database (gnomAD). Loss of BRCA2 function is a known mechanism of disease. Based on the available evidence, this variant is classified as Pathogenic.

Women's Health and Genetics/Laboratory Corporation of America, LabCorp
Classification: Pathogenic for Hereditary breast and ovarian cancer syndrome. Last evaluated: 2019-01-07. Review status: criteria provided, single submitter. Criteria: LabCorp Variant Classification Summary - May 2015. Collection method: clinical testing. Allele origin: germline. Not counted in ClinVar's aggregate classification.
Comment: Variant summary: BRCA2 c.9076C>T (p.Gln3026X) results in a premature termination codon, predicted to cause a truncation of the encoded protein or absence of the protein due to nonsense mediated decay, which are commonly known mechanisms for disease. Truncations downstream of this position have been classified as pathogenic by our laboratory (e.g. c.9093_9094delinsG/p.Thr3033fsX29, c.9097dupA/p.Thr3033fsX11). The variant was absent in 246292 control chromosomes (gnomAD). c.9076C>T has been reported in the literature in multiple individuals affected with Hereditary Breast and Ovarian Cancer (Malone_2006, Kang_2015, Palmero_2018). These data indicate that the variant is very likely to be associated with disease. Co-occurrence with another pathogenic variant has been reported (BRCA2 c.6237_6238delGT, p.Leu2080ArgfsX4) possibly in a patient with Fanconi Anemia (BRCA Share database). One study showed this variant did not significantly affect splicing (Acedo_2012). Seven clinical diagnostic laboratories have submitted clinical-significance assessments for this variant to ClinVar after 2014 without evidence for independent evaluation and all classified this variant as pathogenic. Based on the evidence outlined above, the variant was classified as pathogenic.